The following is an entry in ClinVar:

NM_017433.5(MYO3A):c.2566G>T (p.Val856Leu)

Gene: MYO3A (myosin IIIA; plus strand). Cytogenetic location: 10p12.1.
Variant type: single nucleotide variant.
Coding change: c.2566G>T on transcript NM_017433.5 (MANE Select); coding-DNA position 2566, G replaced by T.
Protein change: p.Val856Leu; replaces valine 856 with leucine.
Molecular consequence: missense variant.
Genome position (GRCh38, 1-based): chr10:26,147,490, G>T. VCF-style: chr10-26147490-G-T. GRCh37 (hg19) VCF-style: chr10-26436419-G-T.
Other names: short protein forms V856L.
Identifiers: ClinVar variation 4742682 (VCV004742682.1).

ClinVar aggregate classification (germline): Uncertain significance (1 of 4 stars; one submission).

Submission:

Labcorp Genetics (formerly Invitae), Labcorp
Classification: Uncertain significance. Last evaluated: 2025-09-21. Review status: criteria provided, single submitter. Criteria: Invitae Variant Classification Sherloc (09022015). Collection method: clinical testing. Allele origin: germline.
Comment: This sequence change replaces valine, which is neutral and non-polar, with leucine, which is neutral and non-polar, at codon 856 of the MYO3A protein (p.Val856Leu). This variant is not present in population databases (gnomAD no frequency). This variant has not been reported in the literature in individuals affected with MYO3A-related conditions. Invitae Evidence Modeling of protein sequence and biophysical properties (such as structural, functional, and spatial information, amino acid conservation, physicochemical variation, residue mobility, and thermodynamic stability) indicates that this missense variant is not expected to disrupt MYO3A protein function with a negative predictive value of 80%. In summary, the available evidence is currently insufficient to determine the role of this variant in disease. Therefore, it has been classified as a Variant of Uncertain Significance.